The following is an entry in ClinVar:

ClinVar aggregate classification (germline): Benign/Likely benign. Review status: criteria provided, multiple submitters, no conflicts (2 of 4 stars). 10 submissions from 10 submitters: Benign (7); Likely benign (2). 1 of the submissions does not count toward it. Last evaluated 2026-02-03.

Conditions:
CACNA1A-related disorder. Also called: CACNA1A-related condition.
Episodic ataxia type 2 (EA2). Also called: ACETAZOLAMIDE-RESPONSIVE HEREDITARY PAROXYSMAL CEREBELLAR ATAXIA; ATAXIA, EPISODIC, WITH NYSTAGMUS; ATAXIA, FAMILIAL PAROXYSMAL; CEREBELLAR ATAXIA, PAROXYSMAL, ACETAZOLAMIDE-RESPONSIVE; CEREBELLOPATHY, HEREDITARY PAROXYSMAL; EPISODIC ATAXIA, NYSTAGMUS-ASSOCIATED. Identifiers: Orphanet 97, MedGen C1720416, MONDO:0007163, OMIM 108500.
Developmental and epileptic encephalopathy, 42 (DEE42A). Also called: DEVELOPMENTAL AND EPILEPTIC ENCEPHALOPATHY 42A; EPILEPTIC ENCEPHALOPATHY, EARLY INFANTILE, 42A; Epileptic encephalopathy, early infantile, 42. Identifiers: MedGen C4310716, MONDO:0014917, OMIM 617106.
Inborn genetic diseases. Identifiers: MedGen C0950123, MeSH D030342.

Allele frequency attached by ClinVar (database versions not stated): gnomAD exomes 0.00140; ExAC 0.00191; ESP Exome Variant Server 0.00580; 1000 Genomes Project 30x 0.00593; gnomAD 0.00616; 1000 Genomes Project 0.00619; TOPMed 0.00677.
gnomAD v4.1: 1,835 of 1,594,678 alleles (0.12%); highest among the groups gnomAD compares: African/African-American, 2.2%; 17 homozygotes.

Submissions (10):

Labcorp Genetics (formerly Invitae), Labcorp
Classification: Benign for Developmental and epileptic encephalopathy, 42; Episodic ataxia type 2. Last evaluated: 2026-02-03. Review status: criteria provided, single submitter. Criteria: Invitae Variant Classification Sherloc (09022015). Collection method: clinical testing. Allele origin: germline.

Mayo Clinic Laboratories, Mayo Clinic
Classification: Benign. Last evaluated: 2024-05-02. Review status: criteria provided, single submitter. Criteria: ACMG Guidelines, 2015. Collection method: clinical testing. Allele origin: germline. Observed: 5 variant alleles.
Comment: BA1, BS2

Athena Diagnostics
Classification: Benign. Last evaluated: 2020-03-26. Review status: criteria provided, single submitter. Criteria: Athena Diagnostics Criteria. Collection method: clinical testing. Allele origin: unknown.

Genetic Services Laboratory, University of Chicago
Classification: Benign. Last evaluated: 2019-04-24. Review status: criteria provided, single submitter. Criteria: ACMG Guidelines, 2015. Collection method: clinical testing. Allele origin: germline. Affected: no.

Center for Pediatric Genomic Medicine, Children's Mercy Hospital and Clinics
Classification: Likely benign. Last evaluated: 2017-05-03. Review status: criteria provided, single submitter. Criteria: ACMG Guidelines, 2015. Collection method: clinical testing. Allele origin: germline.

GeneDx
Classification: Benign. Last evaluated: 2016-12-05. Review status: criteria provided, single submitter. Criteria: GeneDx Variant Classification (06012015). Collection method: clinical testing. Allele origin: germline. Affected: yes.
Comment: This variant is considered likely benign or benign based on one or more of the following criteria: it is a conservative change, it occurs at a poorly conserved position in the protein, it is predicted to be benign by multiple in silico algorithms, and/or has population frequency not consistent with disease.

Ambry Genetics
Classification: Benign for Inborn genetic diseases. Last evaluated: 2016-06-27. Review status: criteria provided, single submitter. Criteria: Ambry Variant Classification Scheme 2023. Collection method: clinical testing. Allele origin: germline.

Eurofins Ntd Llc (ga)
Classification: Benign. Last evaluated: 2015-06-12. Review status: criteria provided, single submitter. Criteria: EGL Classification Definitions 2015. Collection method: clinical testing. Allele origin: germline. Observed: 1 variant allele, 1 heterozygote.

Breakthrough Genomics
Classification: Likely benign. Review status: criteria provided, single submitter. Criteria: ACMG Guidelines, 2015. Collection method: not provided. Allele origin: germline. Inheritance: Autosomal dominant inheritance. Affected: yes.

PreventionGenetics, part of Exact Sciences
Classification: Benign for CACNA1A-related condition. Last evaluated: 2019-06-14. Review status: no assertion criteria provided. Collection method: clinical testing. Allele origin: germline. Not counted in ClinVar's aggregate classification.
Comment: This variant is classified as benign based on ACMG/AMP sequence variant interpretation guidelines (Richards et al. 2015 PMID: 25741868, with internal and published modifications).

NM_001127222.2(CACNA1A):c.2737C>T (p.Pro913Ser)

Gene: CACNA1A (calcium voltage-gated channel subunit alpha1 A; minus strand). Cytogenetic location: 19p13.13.
Variant type: single nucleotide variant.
Coding change: c.2737C>T on transcript NM_001127222.2 (MANE Select); coding-DNA position 2737, C replaced by T.
Protein change: p.Pro913Ser; replaces proline 913 with serine.
Molecular consequence: missense variant.
Genome position (GRCh38, 1-based): chr19:13,298,896, G>A on the plus strand (C>T on the coding strand, the complement: CACNA1A is on the minus strand). VCF-style: chr19-13298896-G-A. GRCh37 (hg19) VCF-style: chr19-13409710-G-A.
Other names: p.Pro914Ser; c.2749C>T, p.Pro917Ser (NM_000068.4, NM_023035.3); c.2740C>T, p.Pro914Ser (NM_001127221.2, NM_001174080.2); c.2737C>T (NM_001127222.1); short protein forms P914S, P913S, P917S.
Identifiers: ClinVar variation 128548 (VCV000128548.31), dbSNP rs16020, ClinGen allele CA152085.